The following is an entry in ClinVar:

NM_001987.5(ETV6):c.599C>A (p.Pro200His)

Gene: ETV6 (ETS variant transcription factor 6; plus strand). Cytogenetic location: 12p13.2.
Variant type: single nucleotide variant.
Coding change: c.599C>A on transcript NM_001987.5 (MANE Select); coding-DNA position 599, C replaced by A.
Protein change: p.Pro200His; replaces proline 200 with histidine.
Molecular consequence: missense variant.
Genome position (GRCh38, 1-based): chr12:11,869,559, C>A. VCF-style: chr12-11869559-C-A. GRCh37 (hg19) VCF-style: chr12-12022493-C-A.
Other names: c.596C>A, p.Pro199His (NM_001413913.1); c.572C>A, p.Pro191His (NM_001413914.1); c.335C>A, p.Pro112His (NM_001413915.1); c.599C>A, p.Pro200His (NM_001413916.1, NM_001413917.1); short protein forms P191H, P200H, P112H, P199H.
Identifiers: ClinVar variation 1914280 (VCV001914280.6), dbSNP rs1946845775, ClinGen allele CA384043559.

ClinVar aggregate classification (germline): Uncertain significance. Review status: criteria provided, multiple submitters, no conflicts (2 of 4 stars). 2 submissions from 2 submitters: Uncertain significance (2). Last evaluated 2025-08-15.

Conditions:
Inborn genetic diseases. Identifiers: MedGen C0950123, MeSH D030342.

Allele frequency attached by ClinVar (database versions not stated): gnomAD 0.00001.
gnomAD v4.1: 1 of 1,614,060 alleles (0.000062%); highest among the groups gnomAD compares: Admixed American, 0.0017%; no homozygotes.

Submissions (2):

Labcorp Genetics (formerly Invitae), Labcorp
Classification: Uncertain significance. Last evaluated: 2025-08-15. Review status: criteria provided, single submitter. Criteria: Invitae Variant Classification Sherloc (09022015). Collection method: clinical testing. Allele origin: germline.
Comment: This sequence change replaces proline, which is neutral and non-polar, with histidine, which is basic and polar, at codon 200 of the ETV6 protein (p.Pro200His). This variant is not present in population databases (gnomAD no frequency). This variant has not been reported in the literature in individuals affected with ETV6-related conditions. ClinVar contains an entry for this variant (Variation ID: 1914280). Invitae Evidence Modeling of protein sequence and biophysical properties (such as structural, functional, and spatial information, amino acid conservation, physicochemical variation, residue mobility, and thermodynamic stability) indicates that this missense variant is not expected to disrupt ETV6 protein function with a negative predictive value of 80%. In summary, the available evidence is currently insufficient to determine the role of this variant in disease. Therefore, it has been classified as a Variant of Uncertain Significance.

Ambry Genetics
Classification: Uncertain significance for Inborn genetic diseases. Last evaluated: 2025-05-24. Review status: criteria provided, single submitter. Criteria: Ambry Variant Classification Scheme 2023. Collection method: clinical testing. Allele origin: germline.
Comment: The p.P200H variant (also known as c.599C>A), located in coding exon 5 of the ETV6 gene, results from a C to A substitution at nucleotide position 599. The proline at codon 200 is replaced by histidine, an amino acid with similar properties. This amino acid position is conserved. In addition, this alteration is predicted to be tolerated by in silico analysis. Based on the available evidence, the clinical significance of this variant remains unclear.